The following is an entry in ClinVar:

NM_001844.5(COL2A1):c.2005G>A (p.Gly669Ser)

Gene: COL2A1 (collagen type II alpha 1 chain; minus strand). Cytogenetic location: 12q13.11.
Variant type: single nucleotide variant.
Coding change: c.2005G>A on transcript NM_001844.5 (MANE Select); coding-DNA position 2005, G replaced by A.
Protein change: p.Gly669Ser; replaces glycine 669 with serine.
Molecular consequence: missense variant.
Genome position (GRCh38, 1-based): chr12:47,983,429, C>T on the plus strand (G>A on the coding strand, the complement: COL2A1 is on the minus strand). VCF-style: chr12-47983429-C-T. GRCh37 (hg19) VCF-style: chr12-48377212-C-T.
Other names: c.1798G>A, p.Gly600Ser (NM_033150.3); short protein forms G600S, G669S.
Identifiers: ClinVar variation 873513 (VCV000873513.13), dbSNP rs1939205327, ClinGen allele CA384548087.
Genomic context (GRCh38, chr12:47,983,429, plus strand): 5'-AGAGCCCCATACTCACCTGGTCACCTGGTTTTCCACCTTCACCTGGGGGACCAGGAGGGC[C>T]AGGAAGTCCCTAGAAGCCGAAGTGACAAGCGTTAGCAAAGGAGTGAGTTTGCTGCCCTGG-3'
Protein context (NP_001835.3, residues 659-679): PGPSGFQGLP[Gly669Ser]PPGPPGEGGK

ClinVar aggregate classification (germline): Pathogenic/Likely pathogenic. Review status: criteria provided, multiple submitters, no conflicts (2 of 4 stars). 4 submissions from 4 submitters: Pathogenic (2); Likely pathogenic (2). Last evaluated 2023-11-27.

Conditions:
COL2A1-related disorder. Also called: COL2A1-related condition; COL2A1-related disorders.
Connective tissue disorder. Also called: Connective tissue disease. Identifiers: MedGen C0009782, MONDO:0003900.
Spondyloepiphyseal dysplasia congenita (SEDC). Also called: SED CONGENITA; SPONDYLOEPIPHYSEAL DYSPLASIA, CONGENITAL TYPE. Identifiers: Orphanet 94068, MedGen C2745959, MONDO:0008471, OMIM 183900.

Submissions (4):

Labcorp Genetics (formerly Invitae), Labcorp
Classification: Likely pathogenic. Last evaluated: 2023-11-27. Review status: criteria provided, single submitter. Criteria: Invitae Variant Classification Sherloc (09022015). Collection method: clinical testing. Allele origin: germline.
Comment: This sequence change replaces glycine, which is neutral and non-polar, with serine, which is neutral and polar, at codon 669 of the COL2A1 protein (p.Gly669Ser). This variant is not present in population databases (gnomAD no frequency). This missense change has been observed in individual(s) with autosomal dominant spondyloepiphyseal dysplasia congenita (PMID: 35052477). ClinVar contains an entry for this variant (Variation ID: 873513). Advanced modeling of protein sequence and biophysical properties (such as structural, functional, and spatial information, amino acid conservation, physicochemical variation, residue mobility, and thermodynamic stability) performed at Invitae indicates that this missense variant is expected to disrupt COL2A1 protein function with a positive predictive value of 95%. This variant disrupts the triple helix domain of COL2A1. Glycine residues within the Gly-Xaa-Yaa repeats of the triple helix domain are required for the structure and stability of fibrillar collagens (PMID: 7695699, 8218237, 19344236). In COL2A1, variants affecting these glycine residues are significantly enriched in individuals with disease (PMID: 9016532, 17078022) compared to the general population (ExAC). In summary, the currently available evidence indicates that the variant is pathogenic, but additional data are needed to prove that conclusively. Therefore, this variant has been classified as Likely Pathogenic.

Genome Diagnostics Laboratory, The Hospital for Sick Children
Classification: Pathogenic for Connective tissue disorder. Last evaluated: 2021-08-26. Review status: criteria provided, single submitter. Criteria: ACMG Guidelines, 2015. Collection method: clinical testing. Allele origin: germline.

Illumina Laboratory Services, Illumina
Classification: Likely pathogenic for COL2A1-related disorders. Last evaluated: 2020-02-12. Review status: criteria provided, single submitter. Criteria: ICSLVariantClassificationCriteria RUGD 01 April 2020. Collection method: clinical testing. Allele origin: unknown.
Comment: The COL2A1 c.2005G>A (p.Gly669Ser) variant is a missense variant. A literature search was performed for the gene, cDNA change, and amino acid change. No publications were found based on this search. This variant is not found in the Genome Aggregation Database in a region of good sequence coverage, so the variant is presumed to be rare. The p.Gly669Ser variant results in a glycine residue change in the triple-helical region of the gene, an established cause of disease in COL2A1-related disorders (Barat-Houari et al. 2016). The Gly-X-Y backbone of the protein is critical to folding and stability and substitutions of glycine account for a high percentage of disease-causing variants in COL2A1 collagenopathies (Barat-Houari et al. 2016; Deng et al. 2016). Based on its detection in a de novo state, its location in an important region, and its rarity, the p.Gly669Ser variant is classified as likely pathogenic for COL2A1-related disorders.

Laboratory of Inherited Metabolic Diseases, Research centre for medical genetics
Classification: Pathogenic for Spondyloepiphyseal dysplasia congenita. Last evaluated: 2018-06-26. Review status: criteria provided, single submitter. Criteria: ACMG Guidelines, 2015. Collection method: clinical testing. Allele origin: de novo. Affected: yes. Observed: 1 variant allele.

Literature cited by the submitters: PubMed 35052477 (cited by Labcorp Genetics (formerly Invitae), Labcorp); PubMed 7695699 (cited by Labcorp Genetics (formerly Invitae), Labcorp); PubMed 8218237 (cited by Labcorp Genetics (formerly Invitae), Labcorp); PubMed 19344236 (cited by Labcorp Genetics (formerly Invitae), Labcorp); PubMed 9016532 (cited by Labcorp Genetics (formerly Invitae), Labcorp); PubMed 17078022 (cited by Labcorp Genetics (formerly Invitae), Labcorp); PubMed 26626311 (cited by Illumina Laboratory Services, Illumina); PubMed 27234559 (cited by Illumina Laboratory Services, Illumina).